The following is an entry in ClinVar:

ClinVar aggregate classification (germline): Uncertain significance (1 of 4 stars; one submission).

Conditions:
Amyotrophic lateral sclerosis type 21. Also called: MYOPATHY, DISTAL, 2; VOCAL CORD AND PHARYNGEAL DYSFUNCTION WITH DISTAL MYOPATHY. Identifiers: Orphanet 600, Orphanet 803, MedGen C3807521, MONDO:0011632, OMIM 606070.

gnomAD v4.1: 1 of 1,614,184 alleles (0.000062%); no homozygotes.

Submission:

Labcorp Genetics (formerly Invitae), Labcorp
Classification: Uncertain significance for Amyotrophic lateral sclerosis type 21. Last evaluated: 2025-02-17. Review status: criteria provided, single submitter. Criteria: Invitae Variant Classification Sherloc (09022015). Collection method: clinical testing. Allele origin: germline.
Comment: This sequence change replaces glycine, which is neutral and non-polar, with valine, which is neutral and non-polar, at codon 744 of the MATR3 protein (p.Gly744Val). This variant is not present in population databases (gnomAD no frequency). This variant has not been reported in the literature in individuals affected with MATR3-related conditions. Invitae Evidence Modeling of protein sequence and biophysical properties (such as structural, functional, and spatial information, amino acid conservation, physicochemical variation, residue mobility, and thermodynamic stability) indicates that this missense variant is not expected to disrupt MATR3 protein function with a negative predictive value of 80%. In summary, the available evidence is currently insufficient to determine the role of this variant in disease. Therefore, it has been classified as a Variant of Uncertain Significance.

NM_018834.6(MATR3):c.2231G>T (p.Gly744Val)

Gene: MATR3 (matrin 3; plus strand). Cytogenetic location: 5q31.2.
Variant type: single nucleotide variant.
Coding change: c.2231G>T on transcript NM_018834.6 (MANE Select); coding-DNA position 2231, G replaced by T.
Protein change: p.Gly744Val; replaces glycine 744 with valine.
Molecular consequence: missense variant.
Genome position (GRCh38, 1-based): chr5:139,325,522, G>T. VCF-style: chr5-139325522-G-T. GRCh37 (hg19) VCF-style: chr5-138661211-G-T.
Other names: c.2231G>T, p.Gly744Val (NM_001194954.2, NM_001194955.2, NM_001400447.1 and 11 more transcripts); c.1367G>T, p.Gly456Val (NM_001194956.2); c.1217G>T, p.Gly406Val (NM_001282278.2, NM_001400462.1, NM_001400463.1 and 4 more transcripts); c.2375G>T, p.Gly792Val (NM_001400441.1, NM_001400442.1, NM_001400443.1 and 2 more transcripts); c.1370G>T, p.Gly457Val (NM_001400459.1); c.1361G>T, p.Gly454Val (NM_001400460.1); c.1331G>T, p.Gly444Val (NM_001400461.1); short protein forms G406V, G454V, G744V, G444V, G456V, G457V, G792V.
Identifiers: ClinVar variation 4781709 (VCV004781709.1).